The following is an entry in ClinVar:

NM_001843.4(CNTN1):c.986-16del

Gene: CNTN1 (contactin 1; plus strand). Cytogenetic location: 12q12.
Variant type: Deletion.
Coding change: c.986-16del on transcript NM_001843.4 (MANE Select); 16 bases into the intron before coding-DNA position 986, one base deleted (G; older notation c.986-16delG).
Molecular consequence: intron variant.
Genome position (GRCh38, 1-based): chr12:40,936,765, G deleted. VCF-style (leftmost placement, unchanged base first): chr12-40936764-TG-T. GRCh37 (hg19) VCF-style: chr12-41330566-TG-T.
Other names: c.986-16del (NM_001256063.2, NM_001256064.2); c.953-16del (NM_175038.2).
Identifiers: ClinVar variation 679959 (VCV000679959.9), dbSNP rs113450310, ClinGen allele CA6516763.

ClinVar aggregate classification (germline): Benign. Review status: criteria provided, multiple submitters, no conflicts (2 of 4 stars). 2 submissions from 2 submitters: Benign (2). Last evaluated 2026-01-18.

Conditions:
Compton-North congenital myopathy (CMYO12). Identifiers: Orphanet 210163, MedGen C2675527, MONDO:0012929, OMIM 612540.

Allele frequency attached by ClinVar (database versions not stated): gnomAD exomes 0.00028 and 0.00077; ExAC 0.00095; ESP Exome Variant Server 0.00296; gnomAD 0.00316 and 0.00335; TOPMed 0.00350; 1000 Genomes Project 30x 0.00406; 1000 Genomes Project 0.00439.

Submissions (2):

Labcorp Genetics (formerly Invitae), Labcorp
Classification: Benign for Compton-North congenital myopathy. Last evaluated: 2026-01-18. Review status: criteria provided, single submitter. Criteria: Invitae Variant Classification Sherloc (09022015). Collection method: clinical testing. Allele origin: germline.

GeneDx
Classification: Benign. Last evaluated: 2018-04-25. Review status: criteria provided, single submitter. Criteria: GeneDx Variant Classification (06012015). Collection method: clinical testing. Allele origin: germline. Affected: yes.
Comment: This variant is considered likely benign or benign based on one or more of the following criteria: it is a conservative change, it occurs at a poorly conserved position in the protein, it is predicted to be benign by multiple in silico algorithms, and/or has population frequency not consistent with disease.